The following is an entry in ClinVar:

NM_003179.3(SYP):c.611C>T (p.Ser204Leu)

Gene: SYP (synaptophysin; minus strand). Cytogenetic location: Xp11.23.
Variant type: single nucleotide variant.
Coding change: c.611C>T on transcript NM_003179.3 (MANE Select); coding-DNA position 611, C replaced by T.
Protein change: p.Ser204Leu; replaces serine 204 with leucine.
Molecular consequence: missense variant.
Genome position (GRCh38, 1-based): chrX:49,193,276, G>A on the plus strand (C>T on the coding strand, the complement: SYP is on the minus strand). VCF-style: chrX-49193276-G-A. GRCh37 (hg19) VCF-style: chrX-49049733-G-A.
Other names: short protein forms S204L.
Identifiers: ClinVar variation 2501541 (VCV002501541.1), dbSNP rs2520590412, ClinGen allele CA412952452.

ClinVar aggregate classification (germline): Uncertain significance (1 of 4 stars; one submission).

Submission:

GeneDx
Classification: Uncertain significance. Last evaluated: 2022-11-07. Review status: criteria provided, single submitter. Criteria: GeneDx Variant Classification Process June 2021. Collection method: clinical testing. Allele origin: germline. Affected: yes.
Comment: Not observed at significant frequency in large population cohorts (gnomAD); In silico analysis supports that this missense variant has a deleterious effect on protein structure/function; Has not been previously published as pathogenic or benign to our knowledge